The following is an entry in ClinVar:

NM_000075.4(CDK4):c.497G>C (p.Ser166Thr)

Gene: CDK4 (cyclin dependent kinase 4; minus strand). Cytogenetic location: 12q14.1.
Variant type: single nucleotide variant.
Coding change: c.497G>C on transcript NM_000075.4 (MANE Select); coding-DNA position 497, G replaced by C.
Protein change: p.Ser166Thr; replaces serine 166 with threonine.
Molecular consequence: missense variant.
Genome position (GRCh38, 1-based): chr12:57,750,948, C>G on the plus strand (G>C on the coding strand, the complement: CDK4 is on the minus strand). VCF-style: chr12-57750948-C-G. GRCh37 (hg19) VCF-style: chr12-58144731-C-G.
Other names: c.497G>C (NM_000075.2); short protein forms S166T.
Identifiers: ClinVar variation 233634 (VCV000233634.16), dbSNP rs876660536, ClinGen allele CA10579437.
Genomic context (GRCh38, chr12:57,750,948, plus strand): 5'-ACCAGAACCCATTTTGGTACCATCTTTCTACTGACCACGGGTGTAAGTGCCATCTGGTAG[C>G]TGTAGATTCTGGCCAGGCCAAAGTCAGCCAGCTTGACTGTTCCACCACTTGTCACCAGAA-3'
Protein context (NP_000066.1, residues 156-176): LADFGLARIY[Ser166Thr]YQMALTPVVV

ClinVar aggregate classification (germline): Uncertain significance. Review status: criteria provided, multiple submitters, no conflicts (2 of 4 stars). 4 submissions from 4 submitters: Uncertain significance (4). Last evaluated 2025-03-05.

Conditions:
Familial melanoma. Also called: Hereditary melanoma; Hereditary cutaneous melanoma. Identifiers: Orphanet 618, MedGen C1512419, MONDO:0018961.
Hereditary cancer-predisposing syndrome. Also called: Neoplastic Syndromes, Hereditary; Tumor predisposition; Hereditary Cancer Syndrome; Hereditary neoplastic syndrome. Identifiers: Orphanet 140162, MedGen C0027672, MeSH D009386, MONDO:0015356.

Allele frequency attached by ClinVar (database versions not stated): gnomAD exomes below 0.00001.

Submissions (4):

Quest Diagnostics Nichols Institute San Juan Capistrano
Classification: Uncertain significance. Last evaluated: 2025-03-05. Review status: criteria provided, single submitter. Criteria: Quest Diagnostics criteria. Collection method: clinical testing. Allele origin: unknown.
Comment: The CDK4 c.497G>C (p.Ser166Thr) variant has not been reported in individuals with CDK4-related conditions in the published literature. It also has not been reported in large, multi-ethnic general populations (Genome Aggregation Database). Analysis of this variant using bioinformatics tools for the prediction of the effect of amino acid changes on protein structure and function yielded conflicting predictions that this variant is deleterious or benign. Based on the available information, we are unable to determine the clinical significance of this variant.

GeneDx
Classification: Uncertain significance. Last evaluated: 2024-05-20. Review status: criteria provided, single submitter. Criteria: GeneDx Variant Classification Process June 2021. Collection method: clinical testing. Allele origin: germline. Affected: yes.
Comment: Not observed at significant frequency in large population cohorts (gnomAD); In silico analysis indicates that this missense variant does not alter protein structure/function; Has not been previously published as pathogenic or benign to our knowledge; This variant is associated with the following publications: (PMID: 24321989)

Ambry Genetics
Classification: Uncertain significance for Hereditary cancer-predisposing syndrome. Last evaluated: 2024-02-15. Review status: criteria provided, single submitter. Criteria: Ambry Variant Classification Scheme 2023. Collection method: clinical testing. Allele origin: germline.
Comment: The p.S166T variant (also known as c.497G>C), located in coding exon 3 of the CDK4 gene, results from a G to C substitution at nucleotide position 497. The serine at codon 166 is replaced by threonine, an amino acid with similar properties. This amino acid position is well conserved in available vertebrate species. In addition, the in silico prediction for this alteration is inconclusive. Based on the available evidence, the clinical significance of this alteration remains unclear.

Labcorp Genetics (formerly Invitae), Labcorp
Classification: Uncertain significance for Familial melanoma. Last evaluated: 2022-12-17. Review status: criteria provided, single submitter. Criteria: Invitae Variant Classification Sherloc (09022015). Collection method: clinical testing. Allele origin: germline.
Comment: In summary, the available evidence is currently insufficient to determine the role of this variant in disease. Therefore, it has been classified as a Variant of Uncertain Significance. This sequence change replaces serine, which is neutral and polar, with threonine, which is neutral and polar, at codon 166 of the CDK4 protein (p.Ser166Thr). Algorithms developed to predict the effect of missense changes on protein structure and function are either unavailable or do not agree on the potential impact of this missense change (SIFT: "Deleterious"; PolyPhen-2: "Benign"; Align-GVGD: "Class C0"). ClinVar contains an entry for this variant (Variation ID: 233634). This variant has not been reported in the literature in individuals affected with CDK4-related conditions. This variant is not present in population databases (gnomAD no frequency).